The following is an entry in ClinVar:

ClinVar aggregate classification (germline): Uncertain significance (1 of 4 stars; one submission).

Conditions:
Hereditary cancer-predisposing syndrome. Also called: Neoplastic Syndromes, Hereditary; Tumor predisposition; Hereditary neoplastic syndrome; Hereditary Cancer Syndrome. Identifiers: Orphanet 140162, MedGen C0027672, MeSH D009386, MONDO:0015356.

Allele frequency attached by ClinVar (database versions not stated): gnomAD exomes below 0.00001.
gnomAD v4.1: 1 of 1,608,698 alleles (0.000062%); highest among the groups gnomAD compares: Non-Finnish European, 0.000085%; no homozygotes.

Submission:

Ambry Genetics
Classification: Uncertain significance for Hereditary cancer-predisposing syndrome. Last evaluated: 2023-09-27. Review status: criteria provided, single submitter. Criteria: Ambry Variant Classification Scheme 2023. Collection method: clinical testing. Allele origin: germline.
Comment: The p.G48E variant (also known as c.143G>A), located in coding exon 1 of the SMARCA4 gene, results from a G to A substitution at nucleotide position 143. The glycine at codon 48 is replaced by glutamic acid, an amino acid with similar properties. This amino acid position is highly conserved in available vertebrate species. In addition, this alteration is predicted to be deleterious by in silico analysis. Missense and in-frame variants in SMARCA4 are known to cause neurodevelopmental disorders; however, such associations with rhabdoid tumor predisposition syndrome including small cell carcinoma of the ovary-hypercalcemic type (SCCOHT) are exceedingly rare (Kosho T et al. Am J Med Genet C Semin Med Genet. 2014 Sep;166C(3):262-75; Jelinic P et al. Nat Genet. 2014 May;46(5):424-6). Since supporting evidence is limited at this time, the clinical significance of this alteration remains unclear.

NM_003072.5(SMARCA4):c.143G>A (p.Gly48Glu)

Gene: SMARCA4 (SWI/SNF related BAF chromatin remodeling complex subunit ATPase 4; plus strand). Cytogenetic location: 19p13.2.
Variant type: single nucleotide variant.
Coding change: c.143G>A on transcript NM_003072.5 (MANE Select); coding-DNA position 143, G replaced by A.
Protein change: p.Gly48Glu; replaces glycine 48 with glutamic acid.
Molecular consequence: missense variant. On other transcripts: non-coding transcript variant (1).
Genome position (GRCh38, 1-based): chr19:10,984,294, G>A. VCF-style: chr19-10984294-G-A. GRCh37 (hg19) VCF-style: chr19-11094970-G-A.
Other names: c.143G>A, p.Gly48Glu (NM_001128844.3, NM_001128845.2, NM_001128846.2 and 6 more transcripts); short protein forms G48E.
Identifiers: ClinVar variation 3233068 (VCV003233068.1), dbSNP rs2513937149, ClinGen allele CA404054449.
Genomic context (GRCh38, chr19:10,984,294, plus strand): 5'-TGGGCCCTAGCCCGGGTCCCTCGCCGGGCTCCGCCCACAGCATGATGGGGCCCAGCCCAG[G>A]GCCGCCCTCAGCAGGACACCCCATCCCCACCCAGGGGCCTGGAGGGTACCCTCAGGACAA-3'
Protein context (NP_003063.2, residues 38-58): SAHSMMGPSP[Gly48Glu]PPSAGHPIPT